The following is an entry in ClinVar:

NC_000002.11:g.(?_211421458)_(211542709_?)dup

Gene: CPS1 (carbamoyl-phosphate synthase 1; plus strand). Cytogenetic location: 2q34.
Variant type: Duplication.
Identifiers: ClinVar variation 2424291 (VCV002424291.3).

ClinVar aggregate classification (germline): Uncertain significance (1 of 4 stars; one submission).

Conditions:
Congenital hyperammonemia, type I. Also called: Carbamoyl-phosphate synthase I deficiency; CPS I DEFICIENCY; Carbamoyl phosphate synthetase I deficiency disease; Carbamoyl phosphate synthetase 1 deficiency; Hyperammonemia due to carbamoyl phosphate synthetase 1 deficiency; CPS 1 deficiency. Identifiers: Orphanet 147, MedGen C4082171, MONDO:0009376, OMIM 237300.

Submission:

Labcorp Genetics (formerly Invitae), Labcorp
Classification: Uncertain significance for Congenital hyperammonemia, type I. Last evaluated: 2022-10-05. Review status: criteria provided, single submitter. Criteria: Invitae Variant Classification Sherloc (09022015). Collection method: clinical testing. Allele origin: germline.
Comment: A copy number gain of the genomic region encompassing the full coding sequence of the CPS1 gene has been identified. The boundaries of this event are unknown as they extend beyond the assayed region for this gene and therefore may encompass additional genes. As the precise location of this event is unknown, it may be in tandem or it may be located elsewhere in the genome. This variant has not been reported in the literature in individuals affected with CPS1-related conditions. In summary, the available evidence is currently insufficient to determine the role of this variant in disease. Therefore, it has been classified as a Variant of Uncertain Significance.